The following is an entry in ClinVar:

NM_002528.7(NTHL1):c.775G>A (p.Glu259Lys)

Gene: NTHL1 (nth like DNA glycosylase 1; minus strand). Cytogenetic location: 16p13.3.
Variant type: single nucleotide variant.
Coding change: c.775G>A on transcript NM_002528.7 (MANE Select); coding-DNA position 775, G replaced by A.
Protein change: p.Glu259Lys; replaces glutamic acid 259 with lysine.
Molecular consequence: missense variant.
Genome position (GRCh38, 1-based): chr16:2,040,149, C>T on the plus strand (G>A on the coding strand, the complement: NTHL1 is on the minus strand). VCF-style: chr16-2040149-C-T. GRCh37 (hg19) VCF-style: chr16-2090150-C-T.
Other names: c.799G>A (NM_002528.5); c.604G>A, p.Glu202Lys (NM_001318193.2); c.445G>A, p.Glu149Lys (NM_001318194.2); short protein forms E149K, E202K, E259K.
Identifiers: ClinVar variation 3612364 (VCV003612364.3).

ClinVar aggregate classification (germline): Uncertain significance. Review status: criteria provided, multiple submitters, no conflicts (2 of 4 stars). 2 submissions from 2 submitters: Uncertain significance (2). Last evaluated 2025-01-25.

Conditions:
Hereditary cancer-predisposing syndrome. Also called: Hereditary Cancer Syndrome; Neoplastic Syndromes, Hereditary; Tumor predisposition; Hereditary neoplastic syndrome. Identifiers: Orphanet 140162, MedGen C0027672, MeSH D009386, MONDO:0015356.

Submissions (2):

Ambry Genetics
Classification: Uncertain significance for Hereditary cancer-predisposing syndrome. Last evaluated: 2025-01-25. Review status: criteria provided, single submitter. Criteria: Ambry Variant Classification Scheme 2023. Collection method: clinical testing. Allele origin: germline.
Comment: The p.E267K variant (also known as c.799G>A), located in coding exon 5 of the NTHL1 gene, results from a G to A substitution at nucleotide position 799. The glutamic acid at codon 267 is replaced by lysine, an amino acid with similar properties. This amino acid position is conserved. In addition, the in silico prediction for this alteration is inconclusive. Based on the available evidence, the clinical significance of this variant remains unclear.

Labcorp Genetics (formerly Invitae), Labcorp
Classification: Uncertain significance. Last evaluated: 2024-08-01. Review status: criteria provided, single submitter. Criteria: Invitae Variant Classification Sherloc (09022015). Collection method: clinical testing. Allele origin: germline.
Comment: This sequence change replaces glutamic acid, which is acidic and polar, with lysine, which is basic and polar, at codon 267 of the NTHL1 protein (p.Glu267Lys). This variant is not present in population databases (gnomAD no frequency). This variant has not been reported in the literature in individuals affected with NTHL1-related conditions. An algorithm developed to predict the effect of missense changes on protein structure and function (PolyPhen-2) suggests that this variant is likely to be disruptive. In summary, the available evidence is currently insufficient to determine the role of this variant in disease. Therefore, it has been classified as a Variant of Uncertain Significance.